The following is an entry in ClinVar:

NM_019112.4(ABCA7):c.911C>T (p.Thr304Ile)

Gene: ABCA7 (ATP binding cassette subfamily A member 7; plus strand). Cytogenetic location: 19p13.3.
Variant type: single nucleotide variant.
Coding change: c.911C>T on transcript NM_019112.4 (MANE Select); coding-DNA position 911, C replaced by T.
Protein change: p.Thr304Ile; replaces threonine 304 with isoleucine.
Molecular consequence: missense variant.
Genome position (GRCh38, 1-based): chr19:1,043,454, C>T. VCF-style: chr19-1043454-C-T. GRCh37 (hg19) VCF-style: chr19-1043453-C-T.
Other names: short protein forms T304I.
Identifiers: ClinVar variation 4880915 (VCV004880915.2).

ClinVar aggregate classification (germline): Uncertain significance (1 of 4 stars; one submission).

Conditions:
Alzheimer disease 9. Also called: ALZHEIMER DISEASE 9, SUSCEPTIBILITY TO; ALZHEIMER DISEASE 9, LATE-ONSET. Identifiers: MedGen C4282179, MONDO:0012153, OMIM 608907.

Submission:

Dasa
Classification: Uncertain significance for Alzheimer disease 9. Last evaluated: 2025-10-08. Review status: criteria provided, single submitter. Criteria: DASA Assertion Criteria. Collection method: clinical testing. Allele origin: germline.
Comment: NM_019112.4(ABCA7):c.911C>T (p.Thr304Ile) is a missense variant that results in the substitution of threonine with isoleucine. This variant is absent from population databases. The currently available literature and clinical evidence are not sufficient to establish a definitive association between this variant and the reported condition. Therefore, this variant is classified as a variant of uncertain significance.